The following is an entry in ClinVar:

ClinVar aggregate classification (germline): Uncertain significance. Review status: criteria provided, multiple submitters, no conflicts (2 of 4 stars). 2 submissions from 2 submitters: Uncertain significance (2). Last evaluated 2025-08-23.

Conditions:
Intellectual developmental disorder, autosomal dominant 1. Also called: Intellectual disability, autosomal dominant 1; MBD5 Haploinsufficiency. Identifiers: Orphanet 228402, MedGen C1969562, MONDO:0007974, OMIM 156200.
Inborn genetic diseases. Identifiers: MedGen C0950123, MeSH D030342.

Allele frequency attached by ClinVar (database versions not stated): gnomAD 0.00001; TOPMed 0.00001.

Submissions (2):

Ambry Genetics
Classification: Uncertain significance for Inborn genetic diseases. Last evaluated: 2025-08-23. Review status: criteria provided, single submitter. Criteria: Ambry Variant Classification Scheme 2023. Collection method: clinical testing. Allele origin: germline.

Labcorp Genetics (formerly Invitae), Labcorp
Classification: Uncertain significance for Intellectual developmental disorder, autosomal dominant 1. Last evaluated: 2022-07-01. Review status: criteria provided, single submitter. Criteria: Invitae Variant Classification Sherloc (09022015). Collection method: clinical testing. Allele origin: germline.
Comment: In summary, the available evidence is currently insufficient to determine the role of this variant in disease. Therefore, it has been classified as a Variant of Uncertain Significance. Algorithms developed to predict the effect of missense changes on protein structure and function are either unavailable or do not agree on the potential impact of this missense change (SIFT: "Deleterious"; PolyPhen-2: "Benign"; Align-GVGD: "Class C0"). This variant has not been reported in the literature in individuals affected with MBD5-related conditions. This variant is not present in population databases (gnomAD no frequency). This sequence change replaces histidine, which is basic and polar, with tyrosine, which is neutral and polar, at codon 419 of the MBD5 protein (p.His419Tyr).

NM_001378120.1(MBD5):c.1255C>T (p.His419Tyr)

Gene: MBD5 (methyl-CpG binding domain protein 5; plus strand). Cytogenetic location: 2q23.1.
Variant type: single nucleotide variant.
Coding change: c.1255C>T on transcript NM_001378120.1 (MANE Select); coding-DNA position 1255, C replaced by T.
Protein change: p.His419Tyr; replaces histidine 419 with tyrosine.
Molecular consequence: missense variant.
Genome position (GRCh38, 1-based): chr2:148,469,198, C>T. VCF-style: chr2-148469198-C-T. GRCh37 (hg19) VCF-style: chr2-149226767-C-T.
Other names: c.1255C>T, p.His419Tyr (NM_018328.5); c.1255C>T (NM_018328.4); short protein forms H419Y.
Identifiers: ClinVar variation 2153808 (VCV002153808.5), dbSNP rs1403604000, ClinGen allele CA348719306.
Genomic context (GRCh38, chr2:148,469,198, plus strand): 5'-GCTGTTGTTCCTTTGCCAAGTAATCTCCCATTGCCAACTGTAAAACCTGGTCACATGAAT[C>T]ATGGGAGTCATGTACAAAGAGTTCAGCATTCAGCTTCAACCTCCCTGTCCCCTTCTCCAG-3'
Protein context (NP_001365049.1, residues 409-429): LPTVKPGHMN[His419Tyr]GSHVQRVQHS